The following is an entry in ClinVar:

NM_014804.3(KIAA0753):c.1811T>C (p.Val604Ala)

Gene: KIAA0753 (KIAA0753; minus strand). Cytogenetic location: 17p13.1.
Variant type: single nucleotide variant.
Coding change: c.1811T>C on transcript NM_014804.3 (MANE Select); coding-DNA position 1811, T replaced by C.
Protein change: p.Val604Ala; replaces valine 604 with alanine.
Molecular consequence: missense variant. On other transcripts: non-coding transcript variant (3).
Genome position (GRCh38, 1-based): chr17:6,608,366, A>G on the plus strand (T>C on the coding strand, the complement: KIAA0753 is on the minus strand). VCF-style: chr17-6608366-A-G. GRCh37 (hg19) VCF-style: chr17-6511686-A-G.
Other names: c.914T>C, p.Val305Ala (NM_001351225.2); short protein forms V305A, V604A.
Identifiers: ClinVar variation 2068674 (VCV002068674.4), dbSNP rs949466660, ClinGen allele CA287350288.

ClinVar aggregate classification (germline): Uncertain significance (1 of 4 stars; one submission).

Allele frequency attached by ClinVar (database versions not stated): gnomAD exomes below 0.00001; TOPMed below 0.00001; gnomAD 0.00001.
gnomAD v4.1: 7 of 1,528,380 alleles (0.00046%); highest among the groups gnomAD compares: African/African-American, 0.0028%; no homozygotes.

Submission:

Labcorp Genetics (formerly Invitae), Labcorp
Classification: Uncertain significance. Last evaluated: 2022-11-22. Review status: criteria provided, single submitter. Criteria: Invitae Variant Classification Sherloc (09022015). Collection method: clinical testing. Allele origin: germline.
Comment: This variant has not been reported in the literature in individuals affected with KIAA0753-related conditions. In summary, the available evidence is currently insufficient to determine the role of this variant in disease. Therefore, it has been classified as a Variant of Uncertain Significance. Algorithms developed to predict the effect of missense changes on protein structure and function output the following: SIFT: "Tolerated"; PolyPhen-2: "Benign"; Align-GVGD: "Class C0". The alanine amino acid residue is found in multiple mammalian species, which suggests that this missense change does not adversely affect protein function. This variant is not present in population databases (gnomAD no frequency). This sequence change replaces valine, which is neutral and non-polar, with alanine, which is neutral and non-polar, at codon 604 of the KIAA0753 protein (p.Val604Ala).